The following is an entry in ClinVar:

NM_000843.4(GRM6):c.2011A>G (p.Lys671Glu)

Genes: GRM6 (glutamate metabotropic receptor 6; minus strand), ZNF454 (zinc finger protein 454; plus strand). Cytogenetic location: 5q35.3.
Variant type: single nucleotide variant.
Coding change: c.2011A>G on transcript NM_000843.4 (MANE Select); coding-DNA position 2011, A replaced by G.
Protein change: p.Lys671Glu; replaces lysine 671 with glutamic acid.
Molecular consequence: missense variant.
Genome position (GRCh38, 1-based): chr5:178,986,243, T>C on the plus strand (A>G on the coding strand, the complement: GRM6 is on the minus strand). VCF-style: chr5-178986243-T-C. GRCh37 (hg19) VCF-style: chr5-178413244-T-C.
Other names: short protein forms K671E.
Identifiers: ClinVar variation 1485652 (VCV001485652.8), dbSNP rs1760542035, ClinGen allele CA362425697.

ClinVar aggregate classification (germline): Uncertain significance (1 of 4 stars; one submission).

Allele frequency attached by ClinVar (database versions not stated): TOPMed below 0.00001.

Submission:

Labcorp Genetics (formerly Invitae), Labcorp
Classification: Uncertain significance. Last evaluated: 2023-08-17. Review status: criteria provided, single submitter. Criteria: Invitae Variant Classification Sherloc (09022015). Collection method: clinical testing. Allele origin: germline.
Comment: In summary, the available evidence is currently insufficient to determine the role of this variant in disease. Therefore, it has been classified as a Variant of Uncertain Significance. Advanced modeling of protein sequence and biophysical properties (such as structural, functional, and spatial information, amino acid conservation, physicochemical variation, residue mobility, and thermodynamic stability) performed at Invitae indicates that this missense variant is expected to disrupt GRM6 protein function. This sequence change replaces lysine, which is basic and polar, with glutamic acid, which is acidic and polar, at codon 671 of the GRM6 protein (p.Lys671Glu). This variant is not present in population databases (gnomAD no frequency). This variant has not been reported in the literature in individuals affected with GRM6-related conditions. ClinVar contains an entry for this variant (Variation ID: 1485652).